The following is an entry in ClinVar:

NM_201384.3(PLEC):c.8630C>T (p.Thr2877Met)

Gene: PLEC (plectin; minus strand). Cytogenetic location: 8q24.3.
Variant type: single nucleotide variant.
Coding change: c.8630C>T on transcript NM_201384.3 (MANE Select); coding-DNA position 8630, C replaced by T.
Protein change: p.Thr2877Met; replaces threonine 2877 with methionine.
Molecular consequence: missense variant.
Genome position (GRCh38, 1-based): chr8:143,921,191, G>A on the plus strand (C>T on the coding strand, the complement: PLEC is on the minus strand). VCF-style: chr8-143921191-G-A. GRCh37 (hg19) VCF-style: chr8-144995359-G-A.
Other names: c.8711C>T (NM_000445.3); c.8711C>T, p.Thr2904Met (NM_000445.5); c.8588C>T, p.Thr2863Met (NM_201378.4); c.8564C>T, p.Thr2855Met (NM_201379.3); c.9041C>T, p.Thr3014Met (NM_201380.4); c.8534C>T, p.Thr2845Met (NM_201381.3); c.8630C>T, p.Thr2877Met (NM_201382.4); c.8642C>T, p.Thr2881Met (NM_201383.3); short protein forms T2855M, T2877M, T2863M, T2845M, T3014M, T2881M, T2904M.
Identifiers: ClinVar variation 471666 (VCV000471666.13), dbSNP rs201565643, ClinGen allele CA4925238.

ClinVar aggregate classification (germline): Uncertain significance. Review status: criteria provided, multiple submitters, no conflicts (2 of 4 stars). 6 submissions from 6 submitters: Uncertain significance (6). Last evaluated 2025-04-13.

Conditions:
PLEC-related disorder. Also called: PLEC-related disorders; PLEC-related condition.
Autosomal recessive limb-girdle muscular dystrophy type 2Q (LGMDR17). Also called: MUSCULAR DYSTROPHY, LIMB-GIRDLE, AUTOSOMAL RECESSIVE 17. Identifiers: Orphanet 254361, MedGen C3150989, MONDO:0013390, OMIM 613723.
Epidermolysis bullosa simplex with nail dystrophy (EBS5D). Identifiers: MedGen C4225309, MONDO:0014661, OMIM 616487.
Epidermolysis bullosa simplex 5C, with pyloric atresia (EBS5C). Also called: PLEC-Related Epidermolysis Bullosa with Pyloric Atresia; Epidermolysis bullosa simplex with pyloric atresia; PLEC1-Related Epidermolysis Bullosa with Pyloric Atresia. Identifiers: Orphanet 158684, MedGen C2677349, MONDO:0012807, OMIM 612138.
Epidermolysis bullosa simplex, Ogna type (EBS5A). Also called: Pidermolysis bullosa simplex 5A, Ogna type; EPIDERMOLYSIS BULLOSA SIMPLEX 5A, OGNA TYPE. Identifiers: Orphanet 79401, MedGen C0432317, MONDO:0007555, OMIM 131950.
Epidermolysis bullosa simplex 5B, with muscular dystrophy (EBS5B). Also called: EPIDERMOLYSIS BULLOSA SIMPLEX AND LIMB-GIRDLE MUSCULAR DYSTROPHY; Epidermolysis bullosa simplex with muscular dystrophy. Identifiers: Orphanet 257, MedGen C2931072, MONDO:0009181, OMIM 226670.
Junctional epidermolysis bullosa with pyloric atresia. Also called: EPIDERMOLYSIS BULLOSA, JUNCTIONAL 5B, WITH PYLORIC ATRESIA; Junctional Epidermolysis Bullosa- Pyloric Atresia Syndrome; APLASIA CUTIS CONGENITA WITH GASTROINTESTINAL ATRESIA; CARMI SYNDROME; EB-PA-ACC; ITGB4-Related Epidermolysis Bullosa with Pyloric Atresia. Identifiers: Orphanet 79403, MedGen C5676875, MONDO:0009183, OMIM 226730.
Inborn genetic diseases. Identifiers: MedGen C0950123, MeSH D030342.

Allele frequency attached by ClinVar (database versions not stated): gnomAD 0.00004 and 0.00005; gnomAD exomes 0.00006; TOPMed 0.00006; ExAC 0.00012; ESP Exome Variant Server 0.00015.
gnomAD v4.1: 96 of 1,613,844 alleles (0.0059%); highest among the groups gnomAD compares: Middle Eastern, 0.066%; no homozygotes.

Submissions (6):

Labcorp Genetics (formerly Invitae), Labcorp
Classification: Uncertain significance for Autosomal recessive limb-girdle muscular dystrophy type 2Q; Epidermolysis bullosa simplex, Ogna type; Epidermolysis bullosa simplex with nail dystrophy; Epidermolysis bullosa simplex 5C, with pyloric atresia; Epidermolysis bullosa simplex 5B, with muscular dystrophy. Last evaluated: 2025-04-13. Review status: criteria provided, single submitter. Criteria: Invitae Variant Classification Sherloc (09022015). Collection method: clinical testing. Allele origin: germline.
Comment: This sequence change replaces threonine, which is neutral and polar, with methionine, which is neutral and non-polar, at codon 2904 of the PLEC protein (p.Thr2904Met). This variant is present in population databases (rs201565643, gnomAD 0.02%). This variant has not been reported in the literature in individuals affected with PLEC-related conditions. ClinVar contains an entry for this variant (Variation ID: 471666). Invitae Evidence Modeling of protein sequence and biophysical properties (such as structural, functional, and spatial information, amino acid conservation, physicochemical variation, residue mobility, and thermodynamic stability) has been performed for this missense variant. However, the output from this modeling did not meet the statistical confidence thresholds required to predict the impact of this variant on PLEC protein function. In summary, the available evidence is currently insufficient to determine the role of this variant in disease. Therefore, it has been classified as a Variant of Uncertain Significance.

PreventionGenetics, part of Exact Sciences
Classification: Uncertain significance for PLEC-related condition. Last evaluated: 2025-02-18. Review status: criteria provided, single submitter. Criteria: ACMG Guidelines, 2015. Collection method: clinical testing. Allele origin: germline.
Comment: The PLEC c.8711C>T variant is predicted to result in the amino acid substitution p.Thr2904Met. To our knowledge, this variant has not been reported in the literature. This variant is reported in 0.020% of alleles in individuals of South Asian descent in gnomAD. At this time, the clinical significance of this variant is uncertain due to the absence of conclusive functional and genetic evidence.

Department of Pathology and Laboratory Medicine, Sinai Health System
Classification: Uncertain significance for Epidermolysis bullosa simplex, Ogna type; Epidermolysis bullosa simplex 5B, with muscular dystrophy; Junctional epidermolysis bullosa with pyloric atresia; Epidermolysis bullosa simplex 5C, with pyloric atresia; Autosomal recessive limb-girdle muscular dystrophy type 2Q; Epidermolysis bullosa simplex with nail dystrophy. Last evaluated: 2023-05-30. Review status: criteria provided, single submitter. Criteria: ACMG Guidelines, 2015. Collection method: research. Allele origin: germline.

Ambry Genetics
Classification: Uncertain significance for Inborn genetic diseases. Last evaluated: 2022-09-06. Review status: criteria provided, single submitter. Criteria: Ambry Variant Classification Scheme 2023. Collection method: clinical testing. Allele origin: germline.

Revvity Omics, Revvity
Classification: Uncertain significance. Last evaluated: 2019-07-10. Review status: criteria provided, single submitter. Criteria: ACMG Guidelines, 2015. Collection method: clinical testing. Allele origin: germline.

Fulgent Genetics
Classification: Uncertain significance for Epidermolysis bullosa simplex, Ogna type; Epidermolysis bullosa simplex 5B, with muscular dystrophy; Junctional epidermolysis bullosa with pyloric atresia; Epidermolysis bullosa simplex 5C, with pyloric atresia; Autosomal recessive limb-girdle muscular dystrophy type 2Q; Epidermolysis bullosa simplex with nail dystrophy. Last evaluated: 2018-10-31. Review status: criteria provided, single submitter. Criteria: ACMG Guidelines, 2015. Collection method: clinical testing. Allele origin: unknown.